The following is an entry in ClinVar:

NM_002295.6(RPSA):c.100A>G (p.Met34Val)

Gene: RPSA (ribosomal protein SA; plus strand). Cytogenetic location: 3p22.1.
Variant type: single nucleotide variant.
Coding change: c.100A>G on transcript NM_002295.6 (MANE Select); coding-DNA position 100, A replaced by G.
Protein change: p.Met34Val; replaces methionine 34 with valine.
Molecular consequence: missense variant.
Genome position (GRCh38, 1-based): chr3:39,407,753, A>G. VCF-style: chr3-39407753-A-G. GRCh37 (hg19) VCF-style: chr3-39449244-A-G.
Other names: c.100A>G, p.Met34Val (NM_001304288.2); short protein forms M34V.
Identifiers: ClinVar variation 452759 (VCV000452759.2), dbSNP rs1553613060, ClinGen allele CA352210142.

ClinVar aggregate classification (germline): Uncertain significance (1 of 4 stars; one submission).

Submission:

GeneDx
Classification: Uncertain significance. Last evaluated: 2017-10-18. Review status: criteria provided, single submitter. Criteria: GeneDx Variant Classification (06012015). Collection method: clinical testing. Allele origin: germline. Affected: yes.
Comment: The M34V variant in the RPSA gene has not been reported previously as a pathogenic variant, nor as a benign variant, to our knowledge. The M34V variant is not observed in large population cohorts (Lek et al., 2016). The M34V variant is a conservative amino acid substitution, which is not likely to impact secondary protein structure as these residues share similar properties. However, this substitution occurs at a position that is conserved across species, and in silico analysis predicts this variant is probably damaging to the protein structure/function. We interpret M34V as a variant of uncertain significance.